The following is an entry in ClinVar:

ClinVar aggregate classification (germline): Uncertain significance (1 of 4 stars; one submission).

Conditions:
Familial hypocalciuric hypercalcemia (FHH). Also called: Familial benign hypercalcemia. Identifiers: Orphanet 405, MedGen C1809471, MONDO:0018458.
Autosomal dominant hypocalcemia 1 (HYPOC1). Also called: HYPOCALCEMIA, FAMILIAL. Identifiers: MedGen C3715128, MONDO:0011013, OMIM 601198.

Submission:

Labcorp Genetics (formerly Invitae), Labcorp
Classification: Uncertain significance for Familial hypocalciuric hypercalcemia; Autosomal dominant hypocalcemia 1. Last evaluated: 2023-01-13. Review status: criteria provided, single submitter. Criteria: Invitae Variant Classification Sherloc (09022015). Collection method: clinical testing. Allele origin: germline.
Comment: In summary, the available evidence is currently insufficient to determine the role of this variant in disease. Therefore, it has been classified as a Variant of Uncertain Significance. Algorithms developed to predict the effect of missense changes on protein structure and function are either unavailable or do not agree on the potential impact of this missense change (SIFT: "Deleterious"; PolyPhen-2: "Probably Damaging"; Align-GVGD: "Class C0"). This missense change has been observed in individual(s) with autosomal dominant hypocalcaemic hypercalciuria (PMID: 22422767). This variant is not present in population databases (gnomAD no frequency). This sequence change replaces serine, which is neutral and polar, with asparagine, which is neutral and polar, at codon 845 of the CASR protein (p.Ser845Asn).

Literature cited by the submitters: PubMed 22422767.

NM_000388.4(CASR):c.2534G>A (p.Ser845Asn)

Gene: CASR (calcium sensing receptor; plus strand). Cytogenetic location: 3q21.1.
Variant type: single nucleotide variant.
Coding change: c.2534G>A on transcript NM_000388.4 (MANE Select); coding-DNA position 2534, G replaced by A.
Protein change: p.Ser845Asn; replaces serine 845 with asparagine.
Molecular consequence: missense variant.
Genome position (GRCh38, 1-based): chr3:122,284,488, G>A. VCF-style: chr3-122284488-G-A. GRCh37 (hg19) VCF-style: chr3-122003335-G-A.
Other names: c.2564G>A, p.Ser855Asn (NM_001178065.2); short protein forms S845N, S855N.
Identifiers: ClinVar variation 2925368 (VCV002925368.3), dbSNP rs2473280553, ClinGen allele CA354160195.